The following is an entry in ClinVar:

NM_001370466.1(NOD2):c.2458_2460del (p.Lys820del)

Gene: NOD2 (nucleotide binding oligomerization domain containing 2; plus strand). Cytogenetic location: 16q12.1.
Variant type: Deletion.
Coding change: c.2458_2460del on transcript NM_001370466.1 (MANE Select); coding-DNA positions 2458 to 2460, 3 bases deleted (AAG; older notation c.2458_2460delAAG).
Protein change: p.Lys820del; deletes lysine 820.
Molecular consequence: inframe deletion. On other transcripts: non-coding transcript variant (1).
Genome position (GRCh38, 1-based): chr16:50,716,663-50,716,665, AAG deleted; deleting any 3 consecutive bases within chr16:50,716,661-50,716,665 gives the same sequence; the c. name uses the placement nearest the transcript's 3' end. VCF-style (leftmost placement, unchanged base first): chr16-50716660-CAGA-C. GRCh37 (hg19) VCF-style: chr16-50750571-CAGA-C.
Other names: c.2458_2460del, p.Lys820del (NM_001293557.2); c.2539_2541del, p.Lys847del (NM_022162.3); short protein forms K847del, K820del.
Identifiers: ClinVar variation 1347089 (VCV001347089.8), dbSNP rs2150823997, ClinGen allele CA2573152313.

ClinVar aggregate classification (germline): Uncertain significance (1 of 4 stars; one submission).

Conditions:
Blau syndrome (BLAUS). Also called: GRANULOMATOSIS, FAMILIAL JUVENILE SYSTEMIC; GRANULOMATOSIS, FAMILIAL, BLAU TYPE; GRANULOMATOUS INFLAMMATORY ARTHRITIS, DERMATITIS, AND UVEITIS, FAMILIAL; JABS SYNDROME; ARTHROCUTANEOUVEAL GRANULOMATOSIS. Identifiers: Orphanet 90340, MedGen C5201146, MONDO:0008523, OMIM 186580.
Regional enteritis. Also called: Enteritis, Granulomatous. Identifiers: MedGen C0678202, MeSH D003424.

Submission:

Labcorp Genetics (formerly Invitae), Labcorp
Classification: Uncertain significance for Regional enteritis; Blau syndrome. Last evaluated: 2022-07-11. Review status: criteria provided, single submitter. Criteria: Invitae Variant Classification Sherloc (09022015). Collection method: clinical testing. Allele origin: germline.
Comment: Algorithms developed to predict the effect of sequence changes on RNA splicing suggest that this variant may disrupt the consensus splice site. In summary, the available evidence is currently insufficient to determine the role of this variant in disease. Therefore, it has been classified as a Variant of Uncertain Significance. Experimental studies and prediction algorithms are not available or were not evaluated, and the functional significance of this variant is currently unknown. ClinVar contains an entry for this variant (Variation ID: 1347089). This variant has not been reported in the literature in individuals affected with NOD2-related conditions. This variant is not present in population databases (gnomAD no frequency). This variant, c.2539_2541del, results in the deletion of one amino acid(s) of the NOD2 protein (p.Lys847del), but otherwise preserves the integrity of the reading frame.